The following is an entry in ClinVar:

ClinVar aggregate classification (germline): Pathogenic (1 of 4 stars; one submission).

Conditions:
Primary pulmonary hypertension. Also called: Idiopathic pulmonary hypertension. Identifiers: MedGen C0152171.

Submission:

Labcorp Genetics (formerly Invitae), Labcorp
Classification: Pathogenic for Primary pulmonary hypertension. Last evaluated: 2023-07-21. Review status: criteria provided, single submitter. Criteria: Invitae Variant Classification Sherloc (09022015). Collection method: clinical testing. Allele origin: germline.
Comment: This sequence change affects a donor splice site in intron 1 of the BMPR2 gene. It is expected to disrupt RNA splicing. Variants that disrupt the donor or acceptor splice site typically lead to a loss of protein function (PMID: 16199547), and loss-of-function variants in BMPR2 are known to be pathogenic (PMID: 16429395). For these reasons, this variant has been classified as Pathogenic. Algorithms developed to predict the effect of sequence changes on RNA splicing suggest that this variant may disrupt the consensus splice site. Disruption of this splice site has been observed in individuals with pulmonary hypertension (PMID: 26387786, 31727138, 32581362, 33066286). This variant is not present in population databases (gnomAD no frequency).

Literature cited by the submitters: PubMed 16199547; PubMed 16429395; PubMed 26387786; PubMed 31727138; PubMed 32581362; PubMed 33066286.

NM_001204.7(BMPR2):c.76+2T>A

Gene: BMPR2 (bone morphogenetic protein receptor type 2; plus strand). Cytogenetic location: 2q33.1.
Variant type: single nucleotide variant.
Coding change: c.76+2T>A on transcript NM_001204.7 (MANE Select); the canonical splice donor site of the intron after coding-DNA position 76, T replaced by A.
Molecular consequence: splice donor variant.
Genome position (GRCh38, 1-based): chr2:202,377,552, T>A. VCF-style: chr2-202377552-T-A. GRCh37 (hg19) VCF-style: chr2-203242275-T-A.
Identifiers: ClinVar variation 2745613 (VCV002745613.3), dbSNP rs1085307156, ClinGen allele CA350396815.